The following is an entry in ClinVar:

NM_004304.5(ALK):c.208G>A (p.Asp70Asn)

Gene: ALK (ALK receptor tyrosine kinase; minus strand). Cytogenetic location: 2p23.1.
Variant type: single nucleotide variant.
Coding change: c.208G>A on transcript NM_004304.5 (MANE Select); coding-DNA position 208, G replaced by A.
Protein change: p.Asp70Asn; replaces aspartic acid 70 with asparagine.
Molecular consequence: missense variant.
Genome position (GRCh38, 1-based): chr2:29,920,452, C>T on the plus strand (G>A on the coding strand, the complement: ALK is on the minus strand). VCF-style: chr2-29920452-C-T. GRCh37 (hg19) VCF-style: chr2-30143318-C-T.
Other names: c.208G>A (NM_004304.4); short protein forms D70N.
Identifiers: ClinVar variation 1043891 (VCV001043891.10), dbSNP rs1365620880, ClinGen allele CA346590483.

ClinVar aggregate classification (germline): Conflicting classifications of pathogenicity. Review status: criteria provided, conflicting classifications (1 of 4 stars). 3 submissions from 3 submitters: Uncertain significance (2); Likely benign (1). Last evaluated 2025-07-23.

Conditions:
Neuroblastoma, susceptibility to, 3. Also called: ALK-Related Neuroblastic Tumor Susceptibility. Identifiers: Orphanet 635, MedGen C2751681, MONDO:0013083, OMIM 613014.
Hereditary cancer-predisposing syndrome. Also called: Hereditary neoplastic syndrome; Neoplastic Syndromes, Hereditary; Tumor predisposition; Hereditary Cancer Syndrome. Identifiers: Orphanet 140162, MedGen C0027672, MeSH D009386, MONDO:0015356.

Allele frequency attached by ClinVar (database versions not stated): gnomAD 0.00001; TOPMed 0.00001.
gnomAD v4.1: 2 of 1,611,170 alleles (0.00012%); highest among the groups gnomAD compares: East Asian, 0.0022%; no homozygotes.

Submissions (3):

Ambry Genetics
Classification: Likely benign for Hereditary cancer-predisposing syndrome. Last evaluated: 2025-07-23. Review status: criteria provided, single submitter. Criteria: Ambry Variant Classification Scheme 2023. Collection method: clinical testing. Allele origin: germline.

Labcorp Genetics (formerly Invitae), Labcorp
Classification: Uncertain significance for Neuroblastoma, susceptibility to, 3. Last evaluated: 2025-02-15. Review status: criteria provided, single submitter. Criteria: Invitae Variant Classification Sherloc (09022015). Collection method: clinical testing. Allele origin: germline.
Comment: This sequence change replaces aspartic acid, which is acidic and polar, with asparagine, which is neutral and polar, at codon 70 of the ALK protein (p.Asp70Asn). This variant is not present in population databases (gnomAD no frequency). This variant has not been reported in the literature in individuals affected with ALK-related conditions. ClinVar contains an entry for this variant (Variation ID: 1043891). An algorithm developed to predict the effect of missense changes on protein structure and function (PolyPhen-2) suggests that this variant is likely to be tolerated. In summary, the available evidence is currently insufficient to determine the role of this variant in disease. Therefore, it has been classified as a Variant of Uncertain Significance.

Baylor Genetics
Classification: Uncertain significance for Neuroblastoma, susceptibility to, 3. Last evaluated: 2023-07-06. Review status: criteria provided, single submitter. Criteria: ACMG Guidelines, 2015. Collection method: clinical testing. Allele origin: unknown.